The following is an entry in ClinVar:

NM_173573.3(LMNTD2):c.1206C>T (p.Arg402=)

Gene: LMNTD2 (lamin tail domain containing 2; minus strand). Cytogenetic location: 11p15.5.
Variant type: single nucleotide variant.
Coding change: c.1206C>T on transcript NM_173573.3 (MANE Select); coding-DNA position 1206, C replaced by T.
Protein change: p.Arg402=; no amino-acid change (arginine 402 retained).
Molecular consequence: synonymous variant.
Genome position (GRCh38, 1-based): chr11:556,243, G>A on the plus strand (C>T on the coding strand, the complement: LMNTD2 is on the minus strand). VCF-style: chr11-556243-G-A. GRCh37 (hg19) VCF-style: chr11-556243-G-A.
Identifiers: ClinVar variation 2641073 (VCV002641073.24), dbSNP rs1049791288, ClinGen allele CA216902693.

ClinVar aggregate classification (germline): Likely benign (1 of 4 stars; one submission).

Allele frequency attached by ClinVar (database versions not stated): gnomAD exomes below 0.00001; gnomAD 0.00001; TOPMed 0.00002.
gnomAD v4.1: 7 of 1,528,384 alleles (0.00046%); highest among the groups gnomAD compares: Non-Finnish European, 0.00061%; no homozygotes.

Submission:

CeGaT Center for Human Genetics Tuebingen
Classification: Likely benign. Last evaluated: 2022-04-01. Review status: criteria provided, single submitter. Criteria: CeGaT Center For Human Genetics Tuebingen Variant Classification Criteria Version 2. Collection method: clinical testing. Allele origin: germline. Affected: yes. Observed: 1 variant allele.
Comment: LMNTD2: BP4, BP7